The following is an entry in ClinVar:

NM_024753.5(TTC21B):c.1538A>G (p.Asn513Ser)

Gene: TTC21B (tetratricopeptide repeat domain 21B; minus strand). Cytogenetic location: 2q24.3.
Variant type: single nucleotide variant.
Coding change: c.1538A>G on transcript NM_024753.5 (MANE Select); coding-DNA position 1538, A replaced by G.
Protein change: p.Asn513Ser; replaces asparagine 513 with serine.
Molecular consequence: missense variant.
Genome position (GRCh38, 1-based): chr2:165,919,412, T>C on the plus strand (A>G on the coding strand, the complement: TTC21B is on the minus strand). VCF-style: chr2-165919412-T-C. GRCh37 (hg19) VCF-style: chr2-166775922-T-C.
Other names: c.1538A>G (NM_024753.3); short protein forms N513S.
Identifiers: ClinVar variation 459285 (VCV000459285.10), dbSNP rs200137653, ClinGen allele CA1942087.

ClinVar aggregate classification (germline): Uncertain significance. Review status: criteria provided, multiple submitters, no conflicts (2 of 4 stars). 4 submissions from 4 submitters: Uncertain significance (3). 1 of the submissions does not count toward it. Last evaluated 2025-04-14.

Conditions:
TTC21B-related disorder. Also called: TTC21B-related condition; TTC21B-related disorders.
Jeune thoracic dystrophy. Also called: Short-rib thoracic dysplasia; Jeune syndrome; Infantile thoracic dystrophy; Thoracic pelvic phalangeal dystrophy; Jeune's syndrome; Chondroectodermal dysplasia-like syndrome. Identifiers: Orphanet 474, MedGen C0265275, MONDO:0018770.
Nephronophthisis. Also called: Juvenile Nephronophthisis. Identifiers: Orphanet 655, MedGen C0687120, MONDO:0019005, HP:0000090.
Inborn genetic diseases. Identifiers: MedGen C0950123, MeSH D030342.
Asphyxiating thoracic dystrophy 4 (SRTD4). Also called: SHORT-RIB THORACIC DYSPLASIA 4 WITH OR WITHOUT POLYDACTYLY; SHORT-RIB THORACIC DYSPLASIA 4. Identifiers: Orphanet 474, MedGen C3151185, MONDO:0013441, OMIM 613819.
Nephronophthisis 12 (NPHP12). Identifiers: Orphanet 655, MedGen C3151186, MONDO:0013442, OMIM 613820.

Allele frequency attached by ClinVar (database versions not stated): ExAC 0.00002; gnomAD exomes 0.00004 and 0.00007; gnomAD 0.00006 and 0.00008; TOPMed 0.00006; 1000 Genomes Project 30x 0.00016; 1000 Genomes Project 0.00020.

Submissions (4):

Ambry Genetics
Classification: Uncertain significance for Inborn genetic diseases. Last evaluated: 2025-04-14. Review status: criteria provided, single submitter. Criteria: Ambry Variant Classification Scheme 2023. Collection method: clinical testing. Allele origin: germline.

Fulgent Genetics
Classification: Uncertain significance for Asphyxiating thoracic dystrophy 4; Nephronophthisis 12. Last evaluated: 2024-05-28. Review status: criteria provided, single submitter. Criteria: ACMG Guidelines, 2015. Collection method: clinical testing. Allele origin: germline.

Labcorp Genetics (formerly Invitae), Labcorp
Classification: Uncertain significance for Jeune thoracic dystrophy; Nephronophthisis. Last evaluated: 2021-08-20. Review status: criteria provided, single submitter. Criteria: Invitae Variant Classification Sherloc (09022015). Collection method: clinical testing. Allele origin: germline.
Comment: This sequence change replaces asparagine with serine at codon 513 of the TTC21B protein (p.Asn513Ser). The asparagine residue is moderately conserved and there is a small physicochemical difference between asparagine and serine. This variant is present in population databases (rs200137653, ExAC 0.02%). This variant has not been reported in the literature in individuals affected with TTC21B-related conditions. ClinVar contains an entry for this variant (Variation ID: 459285). Algorithms developed to predict the effect of missense changes on protein structure and function output the following: SIFT: "Tolerated"; PolyPhen-2: "Benign"; Align-GVGD: "Class C0". The serine amino acid residue is found in multiple mammalian species, which suggests that this missense change does not adversely affect protein function. In summary, the available evidence is currently insufficient to determine the role of this variant in disease. Therefore, it has been classified as a Variant of Uncertain Significance.

PreventionGenetics, part of Exact Sciences
Classification: Uncertain significance for TTC21B-related condition. Last evaluated: 2024-07-16. Review status: no assertion criteria provided. Collection method: clinical testing. Allele origin: germline. Not counted in ClinVar's aggregate classification.
Comment: The TTC21B c.1538A>G variant is predicted to result in the amino acid substitution p.Asn513Ser. To our knowledge, this variant has not been reported in the literature. This variant is reported in 0.020% of alleles in individuals of East Asian descent in gnomAD. At this time, the clinical significance of this variant is uncertain due to the absence of conclusive functional and genetic evidence.